The following is an entry in ClinVar:

ClinVar aggregate classification (germline): Uncertain significance. Review status: criteria provided, multiple submitters, no conflicts (2 of 4 stars). 2 submissions from 2 submitters: Uncertain significance (2). Last evaluated 2026-06-10.

Conditions:
Cryopyrin associated periodic syndrome (CAPS). Identifiers: Orphanet 208650, MedGen C2316212, MONDO:0016168.

gnomAD v4.1: 2 of 1,614,114 alleles (0.00012%); highest among the groups gnomAD compares: South Asian, 0.0011%; no homozygotes.

Submissions (2):

GeneDx
Classification: Uncertain significance. Last evaluated: 2026-06-10. Review status: criteria provided, single submitter. Criteria: GeneDx Variant Classification Process June 2021. Collection method: clinical testing. Allele origin: germline.
Comment: In silico analysis supports that this missense variant has a deleterious effect on protein structure/function; Not observed at significant frequency in large population cohorts (gnomAD); Observed in the ClinVar database and was classified as a variant of uncertain significance in published literature, but patient-level clinical information is not available (PMID: 39930093); Also known as p.D753N; This variant is associated with the following publications: (PMID: 39930093)

Labcorp Genetics (formerly Invitae), Labcorp
Classification: Uncertain significance for Cryopyrin associated periodic syndrome. Last evaluated: 2026-01-22. Review status: criteria provided, single submitter. Criteria: Invitae Variant Classification Sherloc (09022015). Collection method: clinical testing. Allele origin: germline.
Comment: This sequence change replaces aspartic acid, which is acidic and polar, with asparagine, which is neutral and polar, at codon 755 of the NLRP3 protein (p.Asp755Asn). This variant is not present in population databases (gnomAD no frequency). This variant has not been reported in the literature in individuals affected with NLRP3-related conditions. ClinVar contains an entry for this variant (Variation ID: 1706389). Invitae Evidence Modeling of protein sequence and biophysical properties (such as structural, functional, and spatial information, amino acid conservation, physicochemical variation, residue mobility, and thermodynamic stability) has been performed for this missense variant. However, the output from this modeling did not meet the statistical confidence thresholds required to predict the impact of this variant on NLRP3 protein function. In summary, the available evidence is currently insufficient to determine the role of this variant in disease. Therefore, it has been classified as a Variant of Uncertain Significance.

NM_001243133.2(NLRP3):c.2257G>A (p.Asp753Asn)

Gene: NLRP3 (NLR family pyrin domain containing 3; plus strand). Cytogenetic location: 1q44.
Variant type: single nucleotide variant.
Coding change: c.2257G>A on transcript NM_001243133.2 (MANE Select); coding-DNA position 2257, G replaced by A.
Protein change: p.Asp753Asn; replaces aspartic acid 753 with asparagine.
Molecular consequence: missense variant. On other transcripts: intron variant (2).
Genome position (GRCh38, 1-based): chr1:247,429,691, G>A. VCF-style: chr1-247429691-G-A. GRCh37 (hg19) VCF-style: chr1-247592993-G-A.
Other names: c.2257G>A, p.Asp753Asn (NM_001079821.3, NM_001127461.3); c.2263G>A, p.Asp755Asn (NM_004895.5); c.2150+4092G>A (NM_001127462.3, NM_183395.3); short protein forms D753N, D755N.
Identifiers: ClinVar variation 1706389 (VCV001706389.6), dbSNP rs2527320360, ClinGen allele CA345559331.